The following is an entry in ClinVar:

ClinVar aggregate classification (germline): Pathogenic (1 of 4 stars; one submission).

Conditions:
Inborn genetic diseases. Identifiers: MedGen C0950123, MeSH D030342.

Submission:

Ambry Genetics
Classification: Pathogenic for Inborn genetic diseases. Last evaluated: 2026-03-04. Review status: criteria provided, single submitter. Criteria: Ambry Variant Classification Scheme 2023. Collection method: clinical testing. Allele origin: germline.
Comment: The c.895T>A (p.C299S) alteration is located in exon 4 (coding exon 2) of the NR4A2 gene. This alteration results from a T to A substitution at nucleotide position 895, causing the cysteine (C) at amino acid position 299 to be replaced by a serine (S). This variant was not reported in population-based cohorts in the Genome Aggregation Database (gnomAD). Another variant resulting in the same amino acid change (c.896G>C) have been identified in individual(s) with features consistent with NR4A2-related neurodevelopmental disorder (Kim, 2024). This amino acid position is highly conserved in available vertebrate species. This alteration is predicted to be deleterious by in silico analysis. Based on the available evidence, this alteration is classified as pathogenic.

Literature cited by the submitters: PubMed 39334436.

NM_006186.4(NR4A2):c.895T>A (p.Cys299Ser)

Gene: NR4A2 (nuclear receptor subfamily 4 group A member 2; minus strand). Cytogenetic location: 2q24.1.
Variant type: single nucleotide variant.
Coding change: c.895T>A on transcript NM_006186.4 (MANE Select); coding-DNA position 895, T replaced by A.
Protein change: p.Cys299Ser; replaces cysteine 299 with serine.
Molecular consequence: missense variant.
Genome position (GRCh38, 1-based): chr2:156,328,503, A>T on the plus strand (T>A on the coding strand, the complement: NR4A2 is on the minus strand). VCF-style: chr2-156328503-A-T. GRCh37 (hg19) VCF-style: chr2-157185015-A-T.
Other names: c.706T>A, p.Cys236Ser (NM_173173.3); short protein forms C236S, C299S.
Identifiers: ClinVar variation 4840571 (VCV004840571.1).